The following is an entry in ClinVar:

NM_016938.5(EFEMP2):c.783G>A (p.Glu261=)

Gene: EFEMP2 (EGF-like fibulin extracellular matrix protein 2; minus strand). Cytogenetic location: 11q13.1.
Variant type: single nucleotide variant.
Coding change: c.783G>A on transcript NM_016938.5 (MANE Select); coding-DNA position 783, G replaced by A.
Protein change: p.Glu261=; no amino-acid change (glutamic acid 261 retained).
Molecular consequence: synonymous variant. On other transcripts: non-coding transcript variant (1).
Genome position (GRCh38, 1-based): chr11:65,868,574, C>T on the plus strand (G>A on the coding strand, the complement: EFEMP2 is on the minus strand). VCF-style: chr11-65868574-C-T. GRCh37 (hg19) VCF-style: chr11-65636045-C-T.
Identifiers: ClinVar variation 472832 (VCV000472832.11), dbSNP rs779131358, ClinGen allele CA6110527.

ClinVar aggregate classification (germline): Conflicting classifications of pathogenicity. Review status: criteria provided, conflicting classifications (1 of 4 stars). 2 submissions from 2 submitters: Uncertain significance (1); Likely benign (1). Last evaluated 2026-02-02.

Conditions:
Cardiovascular phenotype. Identifiers: MedGen CN230736.
Cutis laxa, autosomal recessive, type 1B (ARCL1B). Also called: CUTIS LAXA, AUTOSOMAL RECESSIVE, TYPE IB; EFEMP2-Related Cutis Laxa. Identifiers: Orphanet 90349, MedGen C3280798, MONDO:0013754, OMIM 614437. Disease mechanism: loss of function.

Allele frequency attached by ClinVar (database versions not stated): gnomAD exomes 0.00003 and 0.00006; TOPMed 0.00003; ExAC 0.00004; gnomAD 0.00004.
gnomAD v4.1: 99 of 1,613,830 alleles (0.0061%); highest among the groups gnomAD compares: Non-Finnish European, 0.0073%; no homozygotes.

Submissions (2):

Labcorp Genetics (formerly Invitae), Labcorp
Classification: Likely benign for Cutis laxa, autosomal recessive, type 1B. Last evaluated: 2026-02-02. Review status: criteria provided, single submitter. Criteria: Invitae Variant Classification Sherloc (09022015). Collection method: clinical testing. Allele origin: germline.

Ambry Genetics
Classification: Uncertain significance for Cardiovascular phenotype. Last evaluated: 2024-12-18. Review status: criteria provided, single submitter. Criteria: Ambry Variant Classification Scheme 2023. Collection method: clinical testing. Allele origin: germline.
Comment: The c.783G>A variant (also known as p.E261E), located in coding exon 7 of the EFEMP2 gene, results from a G to A substitution at nucleotide position 783. This nucleotide substitution does not change the amino acid at codon 261. This nucleotide position is not well conserved in available vertebrate species. In silico splice site analysis predicts that this alteration may result in the creation or strengthening of a novel splice acceptor site. Based on the available evidence, the clinical significance of this variant remains unclear.